The following is an entry in ClinVar:

ClinVar aggregate classification (germline): Uncertain significance. Review status: criteria provided, multiple submitters, no conflicts (2 of 4 stars). 2 submissions from 2 submitters: Uncertain significance (2). Last evaluated 2025-02-20.

Conditions:
Hereditary cancer-predisposing syndrome. Also called: Hereditary neoplastic syndrome; Tumor predisposition; Neoplastic Syndromes, Hereditary; Hereditary Cancer Syndrome. Identifiers: Orphanet 140162, MedGen C0027672, MeSH D009386, MONDO:0015356.
Neuroblastoma, susceptibility to, 3. Also called: ALK-Related Neuroblastic Tumor Susceptibility. Identifiers: Orphanet 635, MedGen C2751681, MONDO:0013083, OMIM 613014.

Submissions (2):

Ambry Genetics
Classification: Uncertain significance for Hereditary cancer-predisposing syndrome. Last evaluated: 2025-02-20. Review status: criteria provided, single submitter. Criteria: Ambry Variant Classification Scheme 2023. Collection method: clinical testing. Allele origin: germline.
Comment: The c.3314_3316dupTCA variant (also known as p.I1105dup), located in coding exon 20 of the ALK gene, results from an in-frame duplication of TCA at nucleotide positions 3314 to 3316. This results in the duplication of an extra isoleucine residue between codons 1105 and 1106. This amino acid position is highly conserved through mammals but not in all available vertebrate species. In addition, this alteration is predicted to be deleterious by in silico analysis (Choi Y et al. PLoS ONE. 2012; 7(10):e46688). Based on the available evidence, the clinical significance of this variant remains unclear.

Labcorp Genetics (formerly Invitae), Labcorp
Classification: Uncertain significance for Neuroblastoma, susceptibility to, 3. Last evaluated: 2024-04-22. Review status: criteria provided, single submitter. Criteria: Invitae Variant Classification Sherloc (09022015). Collection method: clinical testing. Allele origin: germline.
Comment: This variant, c.3314_3316dup, results in the insertion of 1 amino acid(s) of the ALK protein (p.Ile1105dup), but otherwise preserves the integrity of the reading frame. This variant is present in population databases (no rsID available, gnomAD 0.007%). This variant has not been reported in the literature in individuals affected with ALK-related conditions. ClinVar contains an entry for this variant (Variation ID: 1481059). Experimental studies and prediction algorithms are not available or were not evaluated, and the functional significance of this variant is currently unknown. In summary, the available evidence is currently insufficient to determine the role of this variant in disease. Therefore, it has been classified as a Variant of Uncertain Significance.

NM_004304.5(ALK):c.3314_3316dup (p.Ile1105dup)

Gene: ALK (ALK receptor tyrosine kinase; minus strand). Cytogenetic location: 2p23.2.
Variant type: Duplication.
Coding change: c.3314_3316dup on transcript NM_004304.5 (MANE Select); coding-DNA positions 3314 to 3316, 3 bases duplicated (TCA; older notation c.3314_3316dupTCA).
Protein change: p.Ile1105dup; duplicates isoleucine 1105.
Molecular consequence: inframe insertion.
Genome position (GRCh38, 1-based): chr2:29,223,385-29,223,387, TGA duplicated on the plus strand (TCA on the coding strand, the reverse complement: ALK is on the minus strand); duplicating any 3 consecutive bases within chr2:29,223,385-29,223,389 gives the same sequence; the c. name uses the placement nearest the transcript's 3' end. VCF-style (leftmost placement, unchanged base first): chr2-29223384-C-CTGA. GRCh37 (hg19) VCF-style: chr2-29446250-C-CTGA.
Other names: c.110_112dup, p.Ile37dup (NM_001353765.2).
Identifiers: ClinVar variation 1481059 (VCV001481059.9), dbSNP rs1373907084, ClinGen allele CA531767085.